The following is an entry in ClinVar:

NM_006231.4(POLE):c.859G>C (p.Asp287His)

Gene: POLE (DNA polymerase epsilon, catalytic subunit; minus strand). Cytogenetic location: 12q24.33.
Variant type: single nucleotide variant.
Coding change: c.859G>C on transcript NM_006231.4 (MANE Select); coding-DNA position 859, G replaced by C.
Protein change: p.Asp287His; replaces aspartic acid 287 with histidine.
Molecular consequence: missense variant.
Genome position (GRCh38, 1-based): chr12:132,676,596, C>G on the plus strand (G>C on the coding strand, the complement: POLE is on the minus strand). VCF-style: chr12-132676596-C-G. GRCh37 (hg19) VCF-style: chr12-133253182-C-G.
Other names: c.859G>C (NM_006231.2); short protein forms D287H.
Identifiers: ClinVar variation 2426440 (VCV002426440.8), dbSNP rs2136015856, ClinGen allele CA387364273.
Genomic context (GRCh38, chr12:132,676,596, plus strand): 5'-ACCTGCTCACCTGGCCATCGATCATGTAGGAAATCATCATAATCTGGTCTGTCTCAGCAT[C>G]AGGAAACTTGAGGGGCAGTTTGGTCGTCTCAATGTCAAATGCCAAAACCACAGGGTCCTG-3'
Protein context (NP_006222.2, residues 277-297): ETTKLPLKFP[Asp287His]AETDQIMMIS

ClinVar aggregate classification (germline): Uncertain significance. Review status: criteria provided, multiple submitters, no conflicts (2 of 4 stars). 3 submissions from 3 submitters: Uncertain significance (3). Last evaluated 2025-01-10.

Conditions:
Hereditary cancer-predisposing syndrome. Also called: Neoplastic Syndromes, Hereditary; Hereditary neoplastic syndrome; Hereditary Cancer Syndrome; Tumor predisposition. Identifiers: Orphanet 140162, MedGen C0027672, MeSH D009386, MONDO:0015356.

Allele frequency attached by ClinVar (database versions not stated): gnomAD exomes below 0.00001.
gnomAD v4.1: 1 of 1,614,102 alleles (0.000062%); highest among the groups gnomAD compares: Non-Finnish European, 0.000085%; no homozygotes.

Submissions (3):

Quest Diagnostics Nichols Institute San Juan Capistrano
Classification: Uncertain significance. Last evaluated: 2025-01-10. Review status: criteria provided, single submitter. Criteria: Quest Diagnostics criteria. Collection method: clinical testing. Allele origin: unknown.
Comment: The POLE c.859G>C (p.Asp287His) variant has not been reported in individuals with POLE-related conditions in the published literature. It also has not been reported in large, multi-ethnic general populations (Genome Aggregation Database). Analysis of this variant using bioinformatics tools for the prediction of the effect of amino acid changes on protein structure and function yielded predictions that this variant is damaging. Based on the available information, we are unable to determine the clinical significance of this variant.

Ambry Genetics
Classification: Uncertain significance for Hereditary cancer-predisposing syndrome. Last evaluated: 2023-09-28. Review status: criteria provided, single submitter. Criteria: Ambry Variant Classification Scheme 2023. Collection method: clinical testing. Allele origin: germline.
Comment: The p.D287H variant (also known as c.859G>C), located in coding exon 9 of the POLE gene, results from a G to C substitution at nucleotide position 859. The aspartic acid at codon 287 is replaced by histidine, an amino acid with similar properties. This amino acid position is conserved. In addition, the in silico prediction for this alteration is inconclusive. Since supporting evidence is limited at this time, the clinical significance of this alteration remains unclear.

Labcorp Genetics (formerly Invitae), Labcorp
Classification: Uncertain significance. Last evaluated: 2022-05-19. Review status: criteria provided, single submitter. Criteria: Invitae Variant Classification Sherloc (09022015). Collection method: clinical testing. Allele origin: germline.
Comment: In summary, the available evidence is currently insufficient to determine the role of this variant in disease. Therefore, it has been classified as a Variant of Uncertain Significance. Algorithms developed to predict the effect of missense changes on protein structure and function (SIFT, PolyPhen-2, Align-GVGD) all suggest that this variant is likely to be disruptive. This variant has not been reported in the literature in individuals affected with POLE-related conditions. This variant is not present in population databases (gnomAD no frequency). This sequence change replaces aspartic acid, which is acidic and polar, with histidine, which is basic and polar, at codon 287 of the POLE protein (p.Asp287His).